The following is an entry in ClinVar:

NM_001080.3(ALDH5A1):c.1574_1575del (p.Leu525fs)

Gene: ALDH5A1 (aldehyde dehydrogenase 5 family member A1; plus strand). Cytogenetic location: 6p22.3.
Variant type: Deletion.
Coding change: c.1574_1575del on transcript NM_001080.3 (MANE Select); coding-DNA positions 1574 to 1575, 2 bases deleted (TG; older notation c.1574_1575delTG).
Protein change: p.Leu525fs; shifts the reading frame from leucine 525.
Molecular consequence: frameshift variant.
Genome position (GRCh38, 1-based): chr6:24,533,678-24,533,679, TG deleted. VCF-style (leftmost placement, unchanged base first): chr6-24533677-CTG-C. GRCh37 (hg19) VCF-style: chr6-24533905-CTG-C.
Other names: c.1430_1431del, p.Leu477fs (NM_001368954.1); c.1613_1614del, p.Leu538fs (NM_170740.1); short protein forms L477fs, L525fs, L538fs.
Identifiers: ClinVar variation 3362319 (VCV003362319.3).

ClinVar aggregate classification (germline): Likely pathogenic (1 of 4 stars; one submission).

Conditions:
Succinate-semialdehyde dehydrogenase deficiency (SSADHD). Also called: SSADH DEFICIENCY; 4-HYDROXYBUTYRIC ACIDURIA; GABA METABOLIC DEFECT; Succinic Semialdehyde Dehydrogenase Deficiency. Identifiers: Orphanet 22, MedGen C0268631, MONDO:0010083, OMIM 271980.

Submission:

Neuberg Centre For Genomic Medicine, NCGM
Classification: Likely pathogenic for Succinate-semialdehyde dehydrogenase deficiency. Last evaluated: 2023-06-02. Review status: criteria provided, single submitter. Criteria: ACMG Guidelines, 2015. Collection method: clinical testing. Allele origin: germline. Inheritance: Autosomal recessive inheritance. Affected: yes.
Comment: The observed frameshift c.1574_1575del (p.Leu525ArgfsTer67) variant in ALDH5A1 gene has not been previously reported as pathogenic variant nor as a benign variant, to our knowledge. The p.Leu525ArgfsTer67 variant is absent in gnomAD Exomes. This variant has not been submitted to the ClinVar database. This variant causes a frameshift starting with codon Leucine 525, changes this amino acid to Arginine residue, and creates a premature Stop codon at position 67 of the new reading frame, denoted p.Leu525ArgfsTer67. This variant is predicted to cause loss of normal protein function through protein truncation. Loss of function variants in ALDH5A1 gene have been previously reported to be disease causing (Brennenstuhl et al., 2020). However, additional functional stuides will be required to prove the pathogenicity of this variant. For these reasons, this variant has been classified as Likely Pathogenic.